The following is an entry in ClinVar:

NM_001347721.2(DYRK1A):c.2219C>T (p.Pro740Leu)

Gene: DYRK1A (dual specificity tyrosine phosphorylation regulated kinase 1A; plus strand). Cytogenetic location: 21q22.13.
Variant type: single nucleotide variant.
Coding change: c.2219C>T on transcript NM_001347721.2 (MANE Select); coding-DNA position 2219, C replaced by T.
Protein change: p.Pro740Leu; replaces proline 740 with leucine.
Molecular consequence: missense variant. On other transcripts: 3 prime UTR variant (2).
Genome position (GRCh38, 1-based): chr21:37,512,485, C>T. VCF-style: chr21-37512485-C-T. GRCh37 (hg19) VCF-style: chr21-38884788-C-T.
Other names: c.2219C>T, p.Pro740Leu (NM_001347722.2, NM_130436.2); c.2132C>T, p.Pro711Leu (NM_001347723.2); c.2246C>T, p.Pro749Leu (NM_001396.5); c.*622C>T (NM_101395.2); c.*531C>T (NM_130438.2); short protein forms P749L, P740L, P711L.
Identifiers: ClinVar variation 589897 (VCV000589897.16), dbSNP rs753226962, ClinGen allele CA10024183.

ClinVar aggregate classification (germline): Conflicting classifications of pathogenicity. Review status: criteria provided, conflicting classifications (1 of 4 stars). 3 submissions from 3 submitters: Uncertain significance (1); Likely benign (2). Last evaluated 2025-07-16.

Conditions:
Inborn genetic diseases. Identifiers: MedGen C0950123, MeSH D030342.
DYRK1A-related intellectual disability syndrome (MRD7). Also called: Intellectual developmental disorder, autosomal dominant 7; DYRK1A Syndrome. Identifiers: Orphanet 464306, MedGen C5568143, MONDO:0013578, OMIM 614104.

Allele frequency attached by ClinVar (database versions not stated): gnomAD exomes below 0.00001 and 0.00001; ExAC 0.00001.
gnomAD v4.1: 3 of 1,614,198 alleles (0.00019%); highest among the groups gnomAD compares: Non-Finnish European, 0.00025%; no homozygotes.

Submissions (3):

Labcorp Genetics (formerly Invitae), Labcorp
Classification: Likely benign for DYRK1A-related intellectual disability syndrome. Last evaluated: 2025-07-16. Review status: criteria provided, single submitter. Criteria: Invitae Variant Classification Sherloc (09022015). Collection method: clinical testing. Allele origin: germline.

GeneDx
Classification: Uncertain significance. Last evaluated: 2020-11-10. Review status: criteria provided, single submitter. Criteria: GeneDx Variant Classification Process June 2021. Collection method: clinical testing. Allele origin: germline. Affected: yes.
Comment: In silico analysis supports that this missense variant has a deleterious effect on protein structure/function; Has not been previously published as pathogenic or benign to our knowledge

Ambry Genetics
Classification: Likely benign for Inborn genetic diseases. Last evaluated: 2017-07-11. Review status: criteria provided, single submitter. Criteria: Ambry Variant Classification Scheme 2023. Collection method: clinical testing. Allele origin: germline.